The following is an entry in ClinVar:

ClinVar aggregate classification (germline): Benign/Likely benign (0 of 4 stars; one submission).

Submission:

ISCA Site 6
Classification: Benign/Likely benign. Review status: no assertion criteria provided. Collection method: clinical testing. Allele origin: unknown. Affected: yes. Observed: 3 variant alleles. Clinical features observed: Developmental delay AND/OR other significant developmental or morphological phenotypes.
Comment: Likely benign (2), Benign (1)

Copy number variation identified through the course of routine clinical cytogenomic testing in postnatal populations, with clinical assertions as classified by the original submitter. For data from the original published study, Kaminsky, et al. 2011 (PubMed 21844811), please see nstd101.

GRCh37/hg19 Xq22.1(chrX:101596705-101693437)x2

Gene: NXF2B (nuclear RNA export factor 2B; minus strand). Cytogenetic location: Xq22.1.
Variant type: copy number gain.
Change: copy number 2 of chrX:101,596,705-101,693,437 (96.7 kb, GRCh37 coordinates, 1-based), cytogenetic band Xq22.1.
Identifiers: ClinVar variation 395396 (VCV000395396.3).